The following is an entry in ClinVar:

ClinVar aggregate classification (germline): Conflicting classifications of pathogenicity. Review status: criteria provided, conflicting classifications (1 of 4 stars). 3 submissions from 3 submitters: Pathogenic (1); Likely pathogenic (1); Uncertain significance (1). Last evaluated 2025-07-17.

Conditions:
Glutaric aciduria, type 1. Also called: Glutaric Acidemia Type 1; Glutaryl-CoA dehydrogenase deficiency; Glutaricacidemia Type 1; Glutaricaciduria, type I; GA I; Glutaric acidemia type I. Identifiers: Orphanet 25, MedGen C0268595, MONDO:0009281, OMIM 231670.

Submissions (3):

Women's Health and Genetics/Laboratory Corporation of America, LabCorp
Classification: Uncertain significance. Last evaluated: 2025-07-17. Review status: criteria provided, single submitter. Criteria: LabCorp Variant Classification Summary - May 2015. Collection method: clinical testing. Allele origin: germline.
Comment: Variant summary: GCDH c.386A>C (p.Glu129Ala) results in a non-conservative amino acid change in the encoded protein sequence. Algorithms developed to predict the effect of missense changes on protein structure and function all suggest that this variant is likely to be disruptive. The variant was absent in 251446 control chromosomes. c.386A>C has been observed in the homozygous state in at least 1 individual(s) affected with Glutaric Acidemia Type 1 (Labcorp Genetics (formerly Invitae)). These data indicate that the variant may be associated with disease. To our knowledge, no experimental evidence demonstrating an impact on protein function has been reported. ClinVar contains an entry for this variant (Variation ID: 565448). Based on the evidence outlined above, the variant was classified as VUS-possibly pathogenic.

Fulgent Genetics
Classification: Likely pathogenic for Glutaric aciduria, type 1. Last evaluated: 2024-06-25. Review status: criteria provided, single submitter. Criteria: ACMG Guidelines, 2015. Collection method: clinical testing. Allele origin: germline.

Labcorp Genetics (formerly Invitae), Labcorp
Classification: Pathogenic for Glutaric aciduria, type 1. Last evaluated: 2019-11-28. Review status: criteria provided, single submitter. Criteria: Invitae Variant Classification Sherloc (09022015). Collection method: clinical testing. Allele origin: germline.
Comment: For these reasons, this variant has been classified as Pathogenic. Advanced modeling of protein sequence and biophysical properties (such as structural, functional, and spatial information, amino acid conservation, physicochemical variation, residue mobility, and thermodynamic stability) performed at Invitae indicates that this missense variant is expected to disrupt GCDH protein function. ClinVar contains an entry for this variant (Variation ID: 565448). This variant is not present in population databases (ExAC no frequency). This sequence change replaces glutamic acid with alanine at codon 129 of the GCDH protein (p.Glu129Ala). The glutamic acid residue is highly conserved and there is a moderate physicochemical difference between glutamic acid and alanine.

Literature cited by the submitters: PubMed 37020324 (cited by Women's Health and Genetics/Laboratory Corporation of America, LabCorp).

NM_000159.4(GCDH):c.386A>C (p.Glu129Ala)

Gene: GCDH (glutaryl-CoA dehydrogenase; plus strand). Cytogenetic location: 19p13.13.
Variant type: single nucleotide variant.
Coding change: c.386A>C on transcript NM_000159.4 (MANE Select); coding-DNA position 386, A replaced by C.
Protein change: p.Glu129Ala; replaces glutamic acid 129 with alanine.
Molecular consequence: missense variant. On other transcripts: non-coding transcript variant (2).
Genome position (GRCh38, 1-based): chr19:12,893,534, A>C. VCF-style: chr19-12893534-A-C. GRCh37 (hg19) VCF-style: chr19-13004348-A-C.
Other names: c.386A>C, p.Glu129Ala (NM_013976.5); short protein forms E129A.
Identifiers: ClinVar variation 565448 (VCV000565448.14), dbSNP rs1568425945, ClinGen allele CA404317423.